The following is an entry in ClinVar:

ClinVar aggregate classification (germline): Uncertain significance (1 of 4 stars; one submission).

Submission:

Ambry Genetics
Classification: Uncertain significance. Last evaluated: 2022-11-17. Review status: criteria provided, single submitter. Criteria: Ambry Variant Classification Scheme 2023. Collection method: clinical testing. Allele origin: germline.
Comment: The p.Q1060K variant (also known as c.3178C>A), located in coding exon 25 of the BUB1 gene, results from a C to A substitution at nucleotide position 3178. The glutamine at codon 1060 is replaced by lysine, an amino acid with similar properties. This amino acid position is conserved. In addition, this alteration is predicted to be tolerated by in silico analysis. Since supporting evidence is limited at this time, the clinical significance of this alteration remains unclear.

NM_004336.5(BUB1):c.3178C>A (p.Gln1060Lys)

Gene: BUB1 (BUB1 mitotic checkpoint serine/threonine kinase; minus strand). Cytogenetic location: 2q13.
Variant type: single nucleotide variant.
Coding change: c.3178C>A on transcript NM_004336.5 (MANE Select); coding-DNA position 3178, C replaced by A.
Protein change: p.Gln1060Lys; replaces glutamine 1060 with lysine.
Molecular consequence: missense variant.
Genome position (GRCh38, 1-based): chr2:110,638,044, G>T on the plus strand (C>A on the coding strand, the complement: BUB1 is on the minus strand). VCF-style: chr2-110638044-G-T. GRCh37 (hg19) VCF-style: chr2-111395621-G-T.
Other names: c.3118C>A, p.Gln1040Lys (NM_001278616.2); c.3007C>A, p.Gln1003Lys (NM_001278617.2); short protein forms Q1003K, Q1040K, Q1060K.
Identifiers: ClinVar variation 2464529 (VCV002464529.2), dbSNP rs2467963345, ClinGen allele CA348088372.